The following is an entry in ClinVar:

NM_004859.4(CLTC):c.2573_2578del (p.Leu858_Leu859del)

Gene: CLTC (clathrin heavy chain; plus strand). Cytogenetic location: 17q23.1.
Variant type: Deletion.
Coding change: c.2573_2578del on transcript NM_004859.4 (MANE Select); coding-DNA positions 2573 to 2578, 6 bases deleted (TTCTGC; older notation c.2573_2578delTTCTGC).
Protein change: p.Leu858_Leu859del.
Molecular consequence: inframe deletion.
Genome position (GRCh38, 1-based): chr17:59,676,965-59,676,970, TTCTGC deleted; deleting any 6 consecutive bases within chr17:59,676,961-59,676,970 gives the same sequence; the c. name uses the placement nearest the transcript's 3' end. VCF-style (leftmost placement, unchanged base first): chr17-59676960-ACTGCTT-A. GRCh37 (hg19) VCF-style: chr17-57754321-ACTGCTT-A.
Other names: c.2585_2590del, p.Leu862_Leu863del (NM_001288653.2).
Identifiers: ClinVar variation 1381011 (VCV001381011.6), dbSNP rs2143580569, ClinGen allele CA2573154427.
Genomic context (GRCh38, chr17:59,676,960, plus strand): 5'-TGTGTTATTTATAATACAGTATGTGTGTGTGAGGTTTTTTTCCTTTTTTCCTAGATTGAA[ACTGCTT>A]CTGCCTTGGCTAGAGGCCAGAATTCATGAGGGCTGTGAGGAGCCTGCTACTCACAATGCC-3'

ClinVar aggregate classification (germline): Uncertain significance (1 of 4 stars; one submission).

Submission:

Labcorp Genetics (formerly Invitae), Labcorp
Classification: Uncertain significance. Last evaluated: 2024-02-24. Review status: criteria provided, single submitter. Criteria: Invitae Variant Classification Sherloc (09022015). Collection method: clinical testing. Allele origin: germline.
Comment: This variant, c.2585_2590del, results in the deletion of 2 amino acid(s) of the CLTC protein (p.Leu862_Leu863del), but otherwise preserves the integrity of the reading frame. This variant is not present in population databases (gnomAD no frequency). This variant has not been reported in the literature in individuals affected with CLTC-related conditions. ClinVar contains an entry for this variant (Variation ID: 1381011). Experimental studies and prediction algorithms are not available or were not evaluated, and the functional significance of this variant is currently unknown. In summary, the available evidence is currently insufficient to determine the role of this variant in disease. Therefore, it has been classified as a Variant of Uncertain Significance.